The following is an entry in ClinVar:

ClinVar aggregate classification (germline): Uncertain significance (1 of 4 stars; one submission).

Conditions:
Hereditary cancer-predisposing syndrome. Also called: Neoplastic Syndromes, Hereditary; Tumor predisposition; Hereditary Cancer Syndrome; Hereditary neoplastic syndrome. Identifiers: Orphanet 140162, MedGen C0027672, MeSH D009386, MONDO:0015356.

Submission:

Ambry Genetics
Classification: Uncertain significance for Hereditary cancer-predisposing syndrome. Last evaluated: 2026-03-28. Review status: criteria provided, single submitter. Criteria: Ambry Variant Classification Scheme 2023. Collection method: clinical testing. Allele origin: germline.
Comment: The p.V1600L variant (also known as c.4798G>C), located in coding exon 31 of the ATM gene, results from a G to C substitution at nucleotide position 4798. The valine at codon 1600 is replaced by leucine, an amino acid with highly similar properties. This amino acid position is conserved. In addition, the in silico prediction for this alteration is inconclusive. Based on the available evidence, the clinical significance of this variant remains unclear.

NM_000051.4(ATM):c.4798G>C (p.Val1600Leu)

Gene: ATM (ATM serine/threonine kinase; plus strand). Cytogenetic location: 11q22.3.
Variant type: single nucleotide variant.
Coding change: c.4798G>C on transcript NM_000051.4 (MANE Select); coding-DNA position 4798, G replaced by C.
Protein change: p.Val1600Leu; replaces valine 1600 with leucine.
Molecular consequence: missense variant.
Genome position (GRCh38, 1-based): chr11:108,294,948, G>C. VCF-style: chr11-108294948-G-C. GRCh37 (hg19) VCF-style: chr11-108165675-G-C.
Other names: c.4798G>C, p.Val1600Leu (NM_001351834.2); short protein forms V1600L.
Identifiers: ClinVar variation 4866052 (VCV004866052.1).